The following is an entry in ClinVar:

ClinVar aggregate classification (germline): Uncertain significance (1 of 4 stars; one submission).

Conditions:
Developmental and epileptic encephalopathy, 34 (DEE34). Also called: SLC12A5-Related Epilepsy of Infancy with Migrating Focal Seizures; Early infantile epileptic encephalopathy 34. Identifiers: Orphanet 293181, MedGen C4225257, MONDO:0014718, OMIM 616645.

Submission:

Labcorp Genetics (formerly Invitae), Labcorp
Classification: Uncertain significance for Developmental and epileptic encephalopathy, 34. Last evaluated: 2021-08-24. Review status: criteria provided, single submitter. Criteria: Invitae Variant Classification Sherloc (09022015). Collection method: clinical testing. Allele origin: germline.
Comment: This sequence change replaces lysine with glutamic acid at codon 923 of the SLC12A5 protein (p.Lys923Glu). The lysine residue is highly conserved and there is a small physicochemical difference between lysine and glutamic acid. This variant is not present in population databases (ExAC no frequency). This variant has not been reported in the literature in individuals affected with SLC12A5-related conditions. Algorithms developed to predict the effect of missense changes on protein structure and function are either unavailable or do not agree on the potential impact of this missense change (SIFT: "Tolerated"; PolyPhen-2: "Possibly Damaging"; Align-GVGD: "Class C0"). In summary, the available evidence is currently insufficient to determine the role of this variant in disease. Therefore, it has been classified as a Variant of Uncertain Significance.

NM_020708.5(SLC12A5):c.2767A>G (p.Lys923Glu)

Gene: SLC12A5 (solute carrier family 12 member 5; plus strand). Cytogenetic location: 20q13.12.
Variant type: single nucleotide variant.
Coding change: c.2767A>G on transcript NM_020708.5 (MANE Select); coding-DNA position 2767, A replaced by G.
Protein change: p.Lys923Glu; replaces lysine 923 with glutamic acid.
Molecular consequence: missense variant.
Genome position (GRCh38, 1-based): chr20:46,055,003, A>G. VCF-style: chr20-46055003-A-G. GRCh37 (hg19) VCF-style: chr20-44683642-A-G.
Other names: c.2836A>G, p.Lys946Glu (NM_001134771.2); short protein forms K923E, K946E.
Identifiers: ClinVar variation 1036395 (VCV001036395.8), dbSNP rs2084677438, ClinGen allele CA409207223.